The following is an entry in ClinVar:

ClinVar aggregate classification (germline): Likely pathogenic (1 of 4 stars; one submission).

Conditions:
Leber congenital amaurosis (LCA). Also called: Leber's amaurosis. Identifiers: Orphanet 65, MedGen C0339527, MeSH D057130, MONDO:0018998.

gnomAD v4.1: 1 of 1,613,666 alleles (0.000062%); highest among the groups gnomAD compares: African/African-American, 0.0013%; no homozygotes.

Submission:

Natera, Inc.
Classification: Likely pathogenic for Leber congenital amaurosis. Last evaluated: 2025-06-01. Review status: criteria provided, single submitter. Criteria: Natera Variant Classification Schema (03/2026). Collection method: clinical testing. Allele origin: germline.
Comment: The c.392T>A variant in CEP290 is a nonsense variant predicted to introduce a stop codon at amino acid 131. This variant is expected to result in nonsense mediated decay, truncation, or a dysfunctional protein product. This variant is rare in the general population with a frequency below the threshold expected for the associated phenotype(s). Given the available evidence, this variant is classified as Likely Pathogenic.

NM_025114.4(CEP290):c.392T>A (p.Leu131Ter)

Gene: CEP290 (centrosomal protein 290; minus strand). Cytogenetic location: 12q21.32.
Variant type: single nucleotide variant.
Coding change: c.392T>A on transcript NM_025114.4 (MANE Select); coding-DNA position 392, T replaced by A.
Protein change: p.Leu131Ter; replaces leucine 131 with a stop codon.
Molecular consequence: nonsense.
Genome position (GRCh38, 1-based): chr12:88,136,692, A>T on the plus strand (T>A on the coding strand, the complement: CEP290 is on the minus strand). VCF-style: chr12-88136692-A-T. GRCh37 (hg19) VCF-style: chr12-88530469-A-T.
Other names: short protein forms L131*.
Identifiers: ClinVar variation 4816213 (VCV004816213.1).